The following is an entry in ClinVar:

NM_000439.5(PCSK1):c.2123A>G (p.Asn708Ser)

Genes: CAST (calpastatin; plus strand), PCSK1 (proprotein convertase subtilisin/kexin type 1; minus strand), LOC101929710 (uncharacterized LOC101929710; plus strand). Cytogenetic location: 5q15.
Variant type: single nucleotide variant.
Coding change: c.2123A>G on transcript NM_000439.5 (MANE Select); coding-DNA position 2123, A replaced by G.
Protein change: p.Asn708Ser; replaces asparagine 708 with serine.
Molecular consequence: missense variant. On other transcripts: intron variant (11).
Genome position (GRCh38, 1-based): chr5:96,393,140, T>C on the plus strand (A>G on the coding strand, the complement: PCSK1 is on the minus strand). VCF-style: chr5-96393140-T-C. GRCh37 (hg19) VCF-style: chr5-95728844-T-C.
Other names: c.-103+13488T>C (NM_001423253.1); c.-175+13488T>C (NM_001423255.1, NM_001423250.1, NM_001423251.1 and 6 more transcripts); c.-40+13488T>C (NM_001423258.1); c.1982A>G, p.Asn661Ser (NM_001177875.2); short protein forms N661S, N708S.
Identifiers: ClinVar variation 4997842 (VCV004997842.1).

ClinVar aggregate classification (germline): Uncertain significance (1 of 4 stars; one submission).

Conditions:
PCSK1-related disorder. Also called: PCSK1-related condition.

gnomAD v4.1: 2 of 1,614,224 alleles (0.00012%); highest among the groups gnomAD compares: Admixed American, 0.0017%; no homozygotes.

Submission:

PreventionGenetics, part of Exact Sciences
Classification: Uncertain significance for PCSK1-related condition. Last evaluated: 2024-10-13. Review status: criteria provided, single submitter. Criteria: ACMG Guidelines, 2015. Collection method: clinical testing. Allele origin: germline.
Comment: The PCSK1 c.2123A>G variant is predicted to result in the amino acid substitution p.Asn708Ser. To our knowledge, this variant has not been reported in the literature or in a large population database (gnomAD), indicating this variant is rare. At this time, the clinical significance of this variant is uncertain due to the absence of conclusive functional and genetic evidence.